The following is an entry in ClinVar:

ClinVar aggregate classification (germline): Uncertain significance (1 of 4 stars; one submission).

Conditions:
Bardet-Biedl syndrome (BBS). Identifiers: Orphanet 110, MedGen C0752166, MONDO:0015229.

Submission:

Labcorp Genetics (formerly Invitae), Labcorp
Classification: Uncertain significance for Bardet-Biedl syndrome. Last evaluated: 2022-07-06. Review status: criteria provided, single submitter. Criteria: Invitae Variant Classification Sherloc (09022015). Collection method: clinical testing. Allele origin: germline.
Comment: In summary, the available evidence is currently insufficient to determine the role of this variant in disease. Therefore, it has been classified as a Variant of Uncertain Significance. Algorithms developed to predict the effect of sequence changes on RNA splicing suggest that this variant may create or strengthen a splice site. Algorithms developed to predict the effect of missense changes on protein structure and function output the following: SIFT: "Tolerated"; PolyPhen-2: "Benign"; Align-GVGD: "Class C0". The serine amino acid residue is found in multiple mammalian species, which suggests that this missense change does not adversely affect protein function. ClinVar contains an entry for this variant (Variation ID: 845602). This variant has not been reported in the literature in individuals affected with BBS12-related conditions. This variant is not present in population databases (gnomAD no frequency). This sequence change replaces asparagine, which is neutral and polar, with serine, which is neutral and polar, at codon 461 of the BBS12 protein (p.Asn461Ser).

NM_152618.3(BBS12):c.1382A>G (p.Asn461Ser)

Gene: BBS12 (Bardet-Biedl syndrome 12; plus strand). Cytogenetic location: 4q27.
Variant type: single nucleotide variant.
Coding change: c.1382A>G on transcript NM_152618.3 (MANE Select); coding-DNA position 1382, A replaced by G.
Protein change: p.Asn461Ser; replaces asparagine 461 with serine.
Molecular consequence: missense variant.
Genome position (GRCh38, 1-based): chr4:122,743,274, A>G. VCF-style: chr4-122743274-A-G. GRCh37 (hg19) VCF-style: chr4-123664429-A-G.
Other names: c.1382A>G, p.Asn461Ser (NM_001178007.2); short protein forms N461S.
Identifiers: ClinVar variation 845602 (VCV000845602.6), dbSNP rs1800919857, ClinGen allele CA358224994.